The following is an entry in ClinVar:

NM_001408.3(CELSR2):c.1588A>G (p.Ile530Val)

Gene: CELSR2 (cadherin EGF LAG seven-pass G-type receptor 2; plus strand). Cytogenetic location: 1p13.3.
Variant type: single nucleotide variant.
Coding change: c.1588A>G on transcript NM_001408.3 (MANE Select); coding-DNA position 1588, A replaced by G.
Protein change: p.Ile530Val; replaces isoleucine 530 with valine.
Molecular consequence: missense variant.
Genome position (GRCh38, 1-based): chr1:109,251,667, A>G. VCF-style: chr1-109251667-A-G. GRCh37 (hg19) VCF-style: chr1-109794289-A-G.
Other names: short protein forms I530V.
Identifiers: ClinVar variation 1915442 (VCV001915442.5), dbSNP rs760643073, ClinGen allele CA986596.

ClinVar aggregate classification (germline): Uncertain significance (1 of 4 stars; one submission).

Allele frequency attached by ClinVar (database versions not stated): TOPMed below 0.00001; gnomAD exomes 0.00001; ExAC 0.00002.
gnomAD v4.1: 17 of 1,613,750 alleles (0.0011%); highest among the groups gnomAD compares: Admixed American, 0.0033%; 1 homozygote.

Submission:

Labcorp Genetics (formerly Invitae), Labcorp
Classification: Uncertain significance. Last evaluated: 2025-01-06. Review status: criteria provided, single submitter. Criteria: Invitae Variant Classification Sherloc (09022015). Collection method: clinical testing. Allele origin: germline.
Comment: This sequence change replaces isoleucine, which is neutral and non-polar, with valine, which is neutral and non-polar, at codon 530 of the CELSR2 protein (p.Ile530Val). This variant is present in population databases (rs760643073, gnomAD 0.01%). This variant has not been reported in the literature in individuals affected with CELSR2-related conditions. ClinVar contains an entry for this variant (Variation ID: 1915442). Invitae Evidence Modeling of protein sequence and biophysical properties (such as structural, functional, and spatial information, amino acid conservation, physicochemical variation, residue mobility, and thermodynamic stability) indicates that this missense variant is not expected to disrupt CELSR2 protein function with a negative predictive value of 80%. In summary, the available evidence is currently insufficient to determine the role of this variant in disease. Therefore, it has been classified as a Variant of Uncertain Significance.